The following is an entry in ClinVar:

ClinVar aggregate classification (germline): Uncertain significance. Review status: criteria provided, multiple submitters, no conflicts (2 of 4 stars). 2 submissions from 2 submitters: Uncertain significance (2). Last evaluated 2025-03-16.

Conditions:
Hereditary cancer-predisposing syndrome. Also called: Neoplastic Syndromes, Hereditary; Tumor predisposition; Hereditary neoplastic syndrome; Hereditary Cancer Syndrome. Identifiers: Orphanet 140162, MedGen C0027672, MeSH D009386, MONDO:0015356.
Familial cancer of breast. Also called: BREAST CANCER, FAMILIAL; hereditary breast carcinoma; Hereditary breast cancer. Identifiers: Orphanet 227535, MedGen C0346153, MONDO:0016419, OMIM 114480. Disease mechanism: loss of function.

Allele frequency attached by ClinVar (database versions not stated): TOPMed below 0.00001.

Submissions (2):

Ambry Genetics
Classification: Uncertain significance for Hereditary cancer-predisposing syndrome. Last evaluated: 2025-03-16. Review status: criteria provided, single submitter. Criteria: Ambry Variant Classification Scheme 2023. Collection method: clinical testing. Allele origin: germline.
Comment: The p.K208N variant (also known as c.624G>T), located in coding exon 4 of the BARD1 gene, results from a G to T substitution at nucleotide position 624. The lysine at codon 208 is replaced by asparagine, an amino acid with similar properties. This amino acid position is conserved. In addition, this alteration is predicted to be tolerated by in silico analysis. Since supporting evidence is limited at this time, the clinical significance of this alteration remains unclear.

Labcorp Genetics (formerly Invitae), Labcorp
Classification: Uncertain significance for Familial cancer of breast. Last evaluated: 2023-10-27. Review status: criteria provided, single submitter. Criteria: Invitae Variant Classification Sherloc (09022015). Collection method: clinical testing. Allele origin: germline.
Comment: This sequence change replaces lysine, which is basic and polar, with asparagine, which is neutral and polar, at codon 208 of the BARD1 protein (p.Lys208Asn). This variant is not present in population databases (gnomAD no frequency). This variant has not been reported in the literature in individuals affected with BARD1-related conditions. ClinVar contains an entry for this variant (Variation ID: 578748). An algorithm developed to predict the effect of missense changes on protein structure and function (PolyPhen-2) suggests that this variant is likely to be disruptive. In summary, the available evidence is currently insufficient to determine the role of this variant in disease. Therefore, it has been classified as a Variant of Uncertain Significance.

NM_000465.4(BARD1):c.624G>T (p.Lys208Asn)

Gene: BARD1 (BRCA1 associated RING domain 1; minus strand). Cytogenetic location: 2q35.
Variant type: single nucleotide variant.
Coding change: c.624G>T on transcript NM_000465.4 (MANE Select); coding-DNA position 624, G replaced by T.
Protein change: p.Lys208Asn; replaces lysine 208 with asparagine.
Molecular consequence: missense variant. On other transcripts: non-coding transcript variant (2), intron variant (3).
Genome position (GRCh38, 1-based): chr2:214,781,250, C>A on the plus strand (G>T on the coding strand, the complement: BARD1 is on the minus strand). VCF-style: chr2-214781250-C-A. GRCh37 (hg19) VCF-style: chr2-215645974-C-A.
Other names: c.567G>T, p.Lys189Asn (NM_001282543.2); c.158+28162G>T (NM_001282548.2); c.215+15811G>T (NM_001282545.2); c.364+11047G>T (NM_001282549.2); short protein forms K208N, K189N.
Identifiers: ClinVar variation 578748 (VCV000578748.13), dbSNP rs1559425523, ClinGen allele CA350456657.